The following is an entry in ClinVar:

ClinVar aggregate classification (germline): Uncertain significance (1 of 4 stars; one submission).

Conditions:
Hereditary cancer-predisposing syndrome. Also called: Tumor predisposition; Hereditary neoplastic syndrome; Hereditary Cancer Syndrome; Neoplastic Syndromes, Hereditary. Identifiers: Orphanet 140162, MedGen C0027672, MeSH D009386, MONDO:0015356.

Submission:

Ambry Genetics
Classification: Uncertain significance for Hereditary cancer-predisposing syndrome. Last evaluated: 2023-10-06. Review status: criteria provided, single submitter. Criteria: Ambry Variant Classification Scheme 2023. Collection method: clinical testing. Allele origin: germline.
Comment: The p.H785Y variant (also known as c.2353C>T), located in coding exon 18 of the POLD1 gene, results from a C to T substitution at nucleotide position 2353. The histidine at codon 785 is replaced by tyrosine, an amino acid with similar properties. This amino acid position is conserved. In addition, this alteration is predicted to be tolerated by in silico analysis. Since supporting evidence is limited at this time, the clinical significance of this alteration remains unclear.

NM_002691.4(POLD1):c.2353C>T (p.His785Tyr)

Gene: POLD1 (DNA polymerase delta 1, catalytic subunit; plus strand). Cytogenetic location: 19q13.33.
Variant type: single nucleotide variant.
Coding change: c.2353C>T on transcript NM_002691.4 (MANE Select); coding-DNA position 2353, C replaced by T.
Protein change: p.His785Tyr; replaces histidine 785 with tyrosine.
Molecular consequence: missense variant. On other transcripts: non-coding transcript variant (1).
Genome position (GRCh38, 1-based): chr19:50,413,844, C>T. VCF-style: chr19-50413844-C-T. GRCh37 (hg19) VCF-style: chr19-50917101-C-T.
Other names: c.2353C>T, p.His785Tyr (NM_001256849.1); c.2431C>T, p.His811Tyr (NM_001308632.1); short protein forms H785Y, H811Y.
Identifiers: ClinVar variation 3222719 (VCV003222719.1), dbSNP rs770368541, ClinGen allele CA406984294.